The following is an entry in ClinVar:

ClinVar aggregate classification (germline): Uncertain significance (1 of 4 stars; one submission).

Conditions:
Cardiomyopathy (CMYO). Also called: Cardiomyopathies. Identifiers: Orphanet 167848, MedGen C0878544, MONDO:0004994, HP:0001638. Inheritance: Various modes of inheritance.

Submission:

Color Diagnostics, LLC DBA Color Health
Classification: Uncertain significance for Cardiomyopathy. Last evaluated: 2025-07-25. Review status: criteria provided, single submitter. Criteria: ACMG Guidelines, 2015. Collection method: clinical testing. Allele origin: germline.
Comment: This variant changes the translational stop signal of the MYBPC3 gene to arginine. Translational read through is expected to extend the length of the MYBPC3 protein by 76 additional amino acids. To our knowledge, functional studies have not been reported for this variant. This variant has not been reported in individuals affected with MYBPC3-related disorders in the literature. This variant has not been identified in the general population by the Genome Aggregation Database (gnomAD). The available evidence is insufficient to determine the role of this variant in disease conclusively. Therefore, this variant is classified as a Variant of Uncertain Significance.

NM_000256.3(MYBPC3):c.3823T>A (p.Ter1275Arg)

Gene: MYBPC3 (myosin binding protein C3; minus strand). Cytogenetic location: 11p11.2.
Variant type: single nucleotide variant.
Coding change: c.3823T>A on transcript NM_000256.3 (MANE Select); coding-DNA position 3823, T replaced by A.
Protein change: p.Ter1275Arg.
Molecular consequence: stop lost.
Genome position (GRCh38, 1-based): chr11:47,331,873, A>T on the plus strand (T>A on the coding strand, the complement: MYBPC3 is on the minus strand). VCF-style: chr11-47331873-A-T. GRCh37 (hg19) VCF-style: chr11-47353424-A-T.
Identifiers: ClinVar variation 4758313 (VCV004758313.1).